The following is an entry in ClinVar:

ClinVar aggregate classification (germline): Uncertain significance (1 of 4 stars; one submission).

Conditions:
Emery-Dreifuss muscular dystrophy 5, autosomal dominant (EDMD5). Also called: EMERY-DREIFUSS MUSCULAR DYSTROPHY 5. Identifiers: Orphanet 261, MedGen C2751805, MONDO:0013072, OMIM 612999.

Allele frequency attached by ClinVar (database versions not stated): TOPMed below 0.00001; ExAC 0.00002.

Submission:

Labcorp Genetics (formerly Invitae), Labcorp
Classification: Uncertain significance for Emery-Dreifuss muscular dystrophy 5, autosomal dominant. Last evaluated: 2023-05-23. Review status: criteria provided, single submitter. Criteria: Invitae Variant Classification Sherloc (09022015). Collection method: clinical testing. Allele origin: germline.
Comment: In summary, the available evidence is currently insufficient to determine the role of this variant in disease. Therefore, it has been classified as a Variant of Uncertain Significance. Algorithms developed to predict the effect of missense changes on protein structure and function output the following: SIFT: "Not Available"; PolyPhen-2: "Benign"; Align-GVGD: "Not Available". The isoleucine amino acid residue is found in multiple mammalian species, which suggests that this missense change does not adversely affect protein function. This variant has not been reported in the literature in individuals affected with SYNE2-related conditions. This variant is present in population databases (rs774095930, gnomAD 0.0009%). This sequence change replaces threonine, which is neutral and polar, with isoleucine, which is neutral and non-polar, at codon 3228 of the SYNE2 protein (p.Thr3228Ile).

NM_182914.3(SYNE2):c.9683C>T (p.Thr3228Ile)

Gene: SYNE2 (spectrin repeat containing nuclear envelope protein 2; plus strand). Cytogenetic location: 14q23.2.
Variant type: single nucleotide variant.
Coding change: c.9683C>T on transcript NM_182914.3 (MANE Select); coding-DNA position 9683, C replaced by T.
Protein change: p.Thr3228Ile; replaces threonine 3228 with isoleucine.
Molecular consequence: missense variant.
Genome position (GRCh38, 1-based): chr14:64,053,596, C>T. VCF-style: chr14-64053596-C-T. GRCh37 (hg19) VCF-style: chr14-64520314-C-T.
Other names: c.9683C>T, p.Thr3228Ile (NM_015180.6); short protein forms T3228I.
Identifiers: ClinVar variation 2991128 (VCV002991128.3), dbSNP rs774095930, ClinGen allele CA7221312.